The following is an entry in ClinVar:

ClinVar aggregate classification (germline): Uncertain significance (1 of 4 stars; one submission).

Conditions:
Charcot-Marie-Tooth disease type 2. Also called: Charcot-Marie-Tooth type 2. Identifiers: Orphanet 64746, MedGen C0270914, MONDO:0018993.

Allele frequency attached by ClinVar (database versions not stated): gnomAD exomes 0.00001 and 0.00003; 1000 Genomes Project 30x 0.00016; 1000 Genomes Project 0.00020; ExAC 0.00002.
gnomAD v4.1: 51 of 1,614,140 alleles (0.0032%); highest among the groups gnomAD compares: Non-Finnish European, 0.0042%; no homozygotes.

Submission:

Labcorp Genetics (formerly Invitae), Labcorp
Classification: Uncertain significance for Charcot-Marie-Tooth disease type 2. Last evaluated: 2021-04-08. Review status: criteria provided, single submitter. Criteria: Invitae Variant Classification Sherloc (09022015). Collection method: clinical testing. Allele origin: germline.
Comment: In summary, the available evidence is currently insufficient to determine the role of this variant in disease. Therefore, it has been classified as a Variant of Uncertain Significance. Algorithms developed to predict the effect of missense changes on protein structure and function are either unavailable or do not agree on the potential impact of this missense change (SIFT: "Deleterious"; PolyPhen-2: "Possibly Damaging"; Align-GVGD: "Class C0"). This variant has not been reported in the literature in individuals with AARS-related conditions. This variant is present in population databases (rs201097032, ExAC 0.003%). This sequence change replaces leucine with phenylalanine at codon 706 of the AARS protein (p.Leu706Phe). The leucine residue is highly conserved and there is a small physicochemical difference between leucine and phenylalanine.

NM_001605.3(AARS1):c.2118G>C (p.Leu706Phe)

Gene: AARS1 (alanyl-tRNA synthetase 1; minus strand). Cytogenetic location: 16q22.1.
Variant type: single nucleotide variant.
Coding change: c.2118G>C on transcript NM_001605.3 (MANE Select); coding-DNA position 2118, G replaced by C.
Protein change: p.Leu706Phe; replaces leucine 706 with phenylalanine.
Molecular consequence: missense variant.
Genome position (GRCh38, 1-based): chr16:70,258,092, C>G on the plus strand (G>C on the coding strand, the complement: AARS1 is on the minus strand). VCF-style: chr16-70258092-C-G. GRCh37 (hg19) VCF-style: chr16-70291995-C-G.
Other names: short protein forms L706F.
Identifiers: ClinVar variation 1682164 (VCV001682164.8), dbSNP rs201097032, ClinGen allele CA8140559.
Genomic context (GRCh38, chr16:70,258,092, plus strand): 5'-CGTTCCCCCACAGAACTCAACAGAAGTCAGGGAGCCAGCAGGCCCAGAGGGGTCATCCAG[C>G]AACTCGGACACCGGGACCCCAATGGAGACGACTCGCACAGGGTCAGGATAGGTCTCATCA-3'
Protein context (NP_001596.2, residues 696-716): VVSIGVPVSE[Leu706Phe]LDDPSGPAGS